The following is an entry in ClinVar:

NM_005609.4(PYGM):c.1466dup (p.Arg490fs)

Gene: PYGM (glycogen phosphorylase, muscle associated; minus strand). Cytogenetic location: 11q13.1.
Variant type: Duplication.
Coding change: c.1466dup on transcript NM_005609.4 (MANE Select); coding-DNA position 1466, one base duplicated (C; older notation c.1466dupC).
Protein change: p.Arg490fs; shifts the reading frame from arginine 490.
Molecular consequence: frameshift variant.
Genome position (GRCh38, 1-based): chr11:64,753,125, G duplicated on the plus strand (C on the coding strand, the reverse complement: PYGM is on the minus strand); the first of 4 consecutive G bases (chr11:64,753,125-64,753,128); duplicating any one gives the same sequence. VCF-style (leftmost placement, unchanged base first): chr11-64753124-A-AG. GRCh37 (hg19) VCF-style: chr11-64520596-A-AG.
Other names: c.1202dup, p.Arg402fs (NM_001164716.1); short protein forms R402fs, R490fs.
Identifiers: ClinVar variation 280234 (VCV000280234.12), dbSNP rs886041476, ClinGen allele CA10603264.

ClinVar aggregate classification (germline): Pathogenic/Likely pathogenic. Review status: criteria provided, multiple submitters, no conflicts (2 of 4 stars). 5 submissions from 5 submitters: Pathogenic (2); Likely pathogenic (3). Last evaluated 2024-12-13.

Conditions:
Glycogen storage disease, type V (GSD5). Also called: McArdle type glycogen storage disease; MCARDLE DISEASE; MUSCLE GLYCOGEN PHOSPHORYLASE DEFICIENCY; MYOPHOSPHORYLASE DEFICIENCY; PYGM DEFICIENCY. Identifiers: Orphanet 368, MedGen C0017924, MONDO:0009293, OMIM 232600.

Submissions (5):

Labcorp Genetics (formerly Invitae), Labcorp
Classification: Pathogenic for Glycogen storage disease, type V. Last evaluated: 2024-12-13. Review status: criteria provided, single submitter. Criteria: Invitae Variant Classification Sherloc (09022015). Collection method: clinical testing. Allele origin: germline.
Comment: This sequence change creates a premature translational stop signal (p.Arg490Serfs*8) in the PYGM gene. It is expected to result in an absent or disrupted protein product. Loss-of-function variants in PYGM are known to be pathogenic (PMID: 8316268, 16786513). This variant is not present in population databases (gnomAD no frequency). This variant has not been reported in the literature in individuals affected with PYGM-related conditions. ClinVar contains an entry for this variant (Variation ID: 280234). For these reasons, this variant has been classified as Pathogenic.

Fulgent Genetics
Classification: Likely pathogenic for Glycogen storage disease, type V. Last evaluated: 2024-04-17. Review status: criteria provided, single submitter. Criteria: ACMG Guidelines, 2015. Collection method: clinical testing. Allele origin: germline.

Baylor Genetics
Classification: Likely pathogenic for Glycogen storage disease, type V. Last evaluated: 2024-02-28. Review status: criteria provided, single submitter. Criteria: ACMG Guidelines, 2015. Collection method: clinical testing. Allele origin: unknown.

GeneDx
Classification: Pathogenic. Last evaluated: 2016-01-29. Review status: criteria provided, single submitter. Criteria: GeneDx Variant Classification (06012015). Collection method: clinical testing. Allele origin: germline. Affected: yes.
Comment: The c.1466dupC pathogenic variant in the PYGM gene causes a frameshift starting with codon Arginine 490, changes this amino acid to a Serine residue and creates a premature Stop codon at position 8 of the new reading frame, denoted p.Arg490SerfsX8. This pathogenic variant is predicted to cause loss of normal protein function either through protein truncation or nonsense-mediated mRNA decay. Although this pathogenic variant has not been previously reported to our knowledge, other frameshift variants have been reported in the PYGM gene is association with McArdle disease (Stenson et al., 2014). Therefore, c.1466dupC is considered a pathogenic variant.

Neuberg Centre For Genomic Medicine, NCGM
Classification: Likely pathogenic for Glycogen storage disease, type V. Review status: criteria provided, single submitter. Criteria: ACMG Guidelines, 2015. Collection method: clinical testing. Allele origin: germline. Inheritance: Autosomal recessive inheritance. Affected: yes.
Comment: The frameshift variant c.1466dupp.Arg490SerfsTer8 in the PYGM gene has been reported previously in an individual affected with McArdle's disease Tsujino et al., 1993. This variant is absent in the gnomAD Exomes. This variant causes a frameshift starting with codon Arginine 490, changes this amino acid to Serine residue, and creates a premature Stop codon at position 8 of the new reading frame. It is submitted to ClinVar as Pathogenic. However, study on multiple affected individuals and functional impact of the variant is not available. This variant is predicted to cause loss of normal protein function through protein truncation. Loss of function variants have been previously reported to be disease causing Santalla et al., 2017. For these reasons, this variant has been classified as Likely Pathogenic.

Literature cited by the submitters: PubMed 8316268 (cited by Labcorp Genetics (formerly Invitae), Labcorp); PubMed 16786513 (cited by Labcorp Genetics (formerly Invitae), Labcorp).